The following is an entry in ClinVar:

NM_006206.6(PDGFRA):c.3270A>C (p.Ter1090Tyr)

Gene: PDGFRA (platelet derived growth factor receptor alpha; plus strand). Cytogenetic location: 4q12.
Variant type: single nucleotide variant.
Coding change: c.3270A>C on transcript NM_006206.6 (MANE Select); coding-DNA position 3270, A replaced by C.
Protein change: p.Ter1090Tyr.
Molecular consequence: stop lost.
Genome position (GRCh38, 1-based): chr4:54,295,272, A>C. VCF-style: chr4-54295272-A-C. GRCh37 (hg19) VCF-style: chr4-55161439-A-C.
Other names: c.3345A>C, p.Ter1115Tyr (NM_001347828.2); c.3270A>C, p.Ter1090Tyr (NM_001347829.2); c.3309A>C, p.Ter1103Tyr (NM_001347830.2).
Identifiers: ClinVar variation 3697678 (VCV003697678.2).

ClinVar aggregate classification (germline): Uncertain significance (1 of 4 stars; one submission).

Conditions:
Gastrointestinal stromal tumor. Also called: Gastrointestinal stromal tumor, somatic; Gastrointestinal stroma tumor. Identifiers: Orphanet 44890, MedGen C0238198, MeSH D046152, MONDO:0011719, OMIM 606764, HP:0100723.

Submission:

Labcorp Genetics (formerly Invitae), Labcorp
Classification: Uncertain significance for Gastrointestinal stromal tumor. Last evaluated: 2024-04-16. Review status: criteria provided, single submitter. Criteria: Invitae Variant Classification Sherloc (09022015). Collection method: clinical testing. Allele origin: germline.
Comment: This sequence change disrupts the translational stop signal of the PDGFRA mRNA. It is expected to extend the length of the PDGFRA protein by 53 additional amino acid residues. This variant is not present in population databases (gnomAD no frequency). This variant has not been reported in the literature in individuals affected with PDGFRA-related conditions. Experimental studies and prediction algorithms are not available or were not evaluated, and the functional significance of this variant is currently unknown. In summary, the available evidence is currently insufficient to determine the role of this variant in disease. Therefore, it has been classified as a Variant of Uncertain Significance.